The following is an entry in ClinVar:

NM_022765.4(MICAL1):c.2208_2209delinsTA (p.Glu737Lys)

Gene: MICAL1 (microtubule associated monooxygenase, calponin and LIM domain containing 1; minus strand). Cytogenetic location: 6q21.
Variant type: Indel.
Coding change: c.2208_2209delinsTA on transcript NM_022765.4 (MANE Select); coding-DNA positions 2208 to 2209, CG replaced by TA.
Protein change: p.Glu737Lys; replaces glutamic acid 737 with lysine.
Molecular consequence: missense variant.
Genome position (GRCh38, 1-based): chr6:109,447,091-109,447,092, CG replaced by TA on the plus strand (CG replaced by TA on the coding strand, the reverse complement: MICAL1 is on the minus strand). VCF-style: chr6-109447091-CG-TA. GRCh37 (hg19) VCF-style: chr6-109768294-CG-TA.
Other names: c.1950_1951delinsTA, p.Glu651Lys (NM_001159291.2); c.2265_2266delinsTA, p.Glu756Lys (NM_001286613.2); short protein forms E737K, E651K, E756K.
Identifiers: ClinVar variation 2104441 (VCV002104441.4), dbSNP rs2482779477, ClinGen allele CA2580074753.
Genomic context (GRCh38, chr6:109,447,091, plus strand): 5'-CCAGGCCCAGAGTCTCTCTGGAGGTCTCCCAGGCCCACTCACCATCTCCTGGGTGCTGCT[CG>TA]TAGCCACCTGGCCACAGTGTGGCCTCACAGGTATGGCAGCGGAAGCAGCTCCGGTGGAAG-3'
Protein context (NP_073602.3, residues 727-747): CEATLWPGGY[Glu737Lys]QHPGDGHFYC

ClinVar aggregate classification (germline): Uncertain significance (1 of 4 stars; one submission).

Submission:

Labcorp Genetics (formerly Invitae), Labcorp
Classification: Uncertain significance. Last evaluated: 2022-03-07. Review status: criteria provided, single submitter. Criteria: Invitae Variant Classification Sherloc (09022015). Collection method: clinical testing. Allele origin: germline.
Comment: In summary, the available evidence is currently insufficient to determine the role of this variant in disease. Therefore, it has been classified as a Variant of Uncertain Significance. Experimental studies and prediction algorithms are not available or were not evaluated, and the functional significance of this variant is currently unknown. This variant has not been reported in the literature in individuals affected with MICAL1-related conditions. Information on the frequency of this variant in the gnomAD database is not available, as this variant may be reported differently in the database. This sequence change replaces glutamic acid, which is acidic and polar, with lysine, which is basic and polar, at codon 756 of the MICAL1 protein (p.Glu756Lys).